The following is an entry in ClinVar:

NM_002878.4(RAD51D):c.145-16_145-15del

Genes: RAD51L3-RFFL (RAD51L3-RFFL readthrough; minus strand), RAD51D (RAD51 paralog D; minus strand). Cytogenetic location: 17q12.
Variant type: Deletion.
Coding change: c.145-16_145-15del on transcript NM_002878.4 (MANE Select); 16 bases into the intron before coding-DNA position 145 through 15 bases into the intron before coding-DNA position 145, 2 bases deleted (TG; older notation c.145-16_145-15delTG).
Molecular consequence: intron variant.
Genome position (GRCh38, 1-based): chr17:35,118,634-35,118,635, CA deleted on the plus strand (TG on the coding strand, the reverse complement: RAD51D is on the minus strand). VCF-style (leftmost placement, unchanged base first): chr17-35118633-CCA-C. GRCh37 (hg19) VCF-style: chr17-33445652-CCA-C.
Other names: c.145-16_145-15delTG (NM_002878.3); c.144+476_144+477del (NM_133629.3, NM_001142571.2).
Identifiers: ClinVar variation 518107 (VCV000518107.12), dbSNP rs1555570314, ClinGen allele CA658798818.

ClinVar aggregate classification (germline): Likely benign. Review status: criteria provided, multiple submitters, no conflicts (2 of 4 stars). 4 submissions from 4 submitters: Likely benign (4). Last evaluated 2025-02-20.

Conditions:
Breast-ovarian cancer, familial, susceptibility to, 4. Identifiers: Orphanet 145, MedGen C3280345, MONDO:0013669, OMIM 614291.
Hereditary cancer-predisposing syndrome. Also called: Tumor predisposition; Hereditary neoplastic syndrome; Neoplastic Syndromes, Hereditary; Hereditary Cancer Syndrome. Identifiers: Orphanet 140162, MedGen C0027672, MeSH D009386, MONDO:0015356.

Allele frequency attached by ClinVar (database versions not stated): gnomAD exomes below 0.00001.

Submissions (4):

Myriad Genetics, Inc.
Classification: Likely benign for Breast-ovarian cancer, familial, susceptibility to, 4. Last evaluated: 2025-02-20. Review status: criteria provided, single submitter. Criteria: Myriad Autosomal Dominant, Autosomal Recessive and X-Linked Classification Criteria (2023). Collection method: clinical testing. Allele origin: unknown.
Comment: This variant is considered likely benign. This variant is intronic and is not expected to impact mRNA splicing.

Labcorp Genetics (formerly Invitae), Labcorp
Classification: Likely benign for Breast-ovarian cancer, familial, susceptibility to, 4. Last evaluated: 2024-11-19. Review status: criteria provided, single submitter. Criteria: Invitae Variant Classification Sherloc (09022015). Collection method: clinical testing. Allele origin: germline.

Color Diagnostics, LLC DBA Color Health
Classification: Likely benign for Hereditary cancer-predisposing syndrome. Last evaluated: 2021-01-21. Review status: criteria provided, single submitter. Criteria: ACMG Guidelines, 2015. Collection method: clinical testing. Allele origin: germline.

GeneDx
Classification: Likely benign. Last evaluated: 2017-06-14. Review status: criteria provided, single submitter. Criteria: GeneDx Variant Classification (06012015). Collection method: clinical testing. Allele origin: germline. Affected: yes.
Comment: This variant is considered likely benign or benign based on one or more of the following criteria: it is a conservative change, it occurs at a poorly conserved position in the protein, it is predicted to be benign by multiple in silico algorithms, and/or has population frequency not consistent with disease.